The following is an entry in ClinVar:

NM_000458.4(HNF1B):c.-31C>G

Gene: HNF1B (HNF1 homeobox B; minus strand). Cytogenetic location: 17q12.
Variant type: single nucleotide variant.
Coding change: c.-31C>G on transcript NM_000458.4 (MANE Select); 31 bases upstream of the start codon, C replaced by G.
Molecular consequence: 5 prime UTR variant.
Genome position (GRCh38, 1-based): chr17:37,744,915, G>C on the plus strand (C>G on the coding strand, the complement: HNF1B is on the minus strand). VCF-style: chr17-37744915-G-C. GRCh37 (hg19) VCF-style: chr17-36104906-G-C.
Other names: c.-31C>G (NM_001165923.4, NM_001304286.2).
Identifiers: ClinVar variation 322949 (VCV000322949.6), dbSNP rs771697321, ClinGen allele CA8519181.

ClinVar aggregate classification (germline): Conflicting classifications of pathogenicity. Review status: criteria provided, conflicting classifications (1 of 4 stars). 3 submissions from 3 submitters: Uncertain significance (1); Benign (1); Likely benign (1). Last evaluated 2018-01-12.

Conditions:
Maturity-onset diabetes of the young (MODY). Also called: Maturity onset diabetes mellitus in young. Identifiers: Orphanet 552, MedGen C0342276, MONDO:0018911, HP:0004904.
Renal cysts and diabetes syndrome (RCAD). Also called: Familial hypoplastic, glomerulocystic kidney; MATURITY-ONSET DIABETES OF THE YOUNG, TYPE 5. Identifiers: Orphanet 93111, MedGen C0431693, MONDO:0007669, OMIM 137920.

Allele frequency attached by ClinVar (database versions not stated): TOPMed 0.00021.
gnomAD v4.1: 274 of 1,392,510 alleles (0.02%); highest among the groups gnomAD compares: Non-Finnish European, 0.025%; no homozygotes.

Submissions (3):

Illumina Laboratory Services, Illumina
Classification: Benign for Renal cysts and diabetes syndrome. Last evaluated: 2018-01-12. Review status: criteria provided, single submitter. Criteria: ICSL Variant Classification Criteria 13 December 2019. Collection method: clinical testing. Allele origin: germline.
Comment: This variant was observed in the ICSL laboratory as part of a predisposition screen in an ostensibly healthy population. It had not been previously curated by ICSL or reported in the Human Gene Mutation Database (HGMD: prior to June 1st, 2018), and was therefore a candidate for classification through an automated scoring system. Utilizing variant allele frequency, disease prevalence and penetrance estimates, and inheritance mode, an automated score was calculated to assess if this variant is too frequent to cause the disease. Based on the score and internal cut-off values, a variant classified as benign is not then subjected to further curation. The score for this variant resulted in a classification of benign for this disease.

GeneDx
Classification: Likely benign. Last evaluated: 2016-09-06. Review status: criteria provided, single submitter. Criteria: GeneDx Variant Classification (06012015). Collection method: clinical testing. Allele origin: germline. Affected: yes.
Comment: This variant is considered likely benign or benign based on one or more of the following criteria: it is a conservative change, it occurs at a poorly conserved position in the protein, it is predicted to be benign by multiple in silico algorithms, and/or has population frequency not consistent with disease.

Clinical Genomics, Uppaluri K&H Personalized Medicine Clinic
Classification: Uncertain significance for Maturity-onset diabetes of the young. Review status: criteria provided, single submitter. Criteria: K & H Uppaluri Personalized Medicine Clinic Variant Classification & Assertion Criteria_Updated V.1. Collection method: research. Allele origin: unknown. Inheritance: Autosomal dominant inheritance.
Comment: HNF1B gene mutations are associated with early onset diabetes and pancreatic atrophy. It is also associated with multiple renal manifestations including renal cysts, Tubulointerstitial disease, glomerulocystic disease, renal hypoplasia, hypomagnesemia.However no sufficient evidence is found to ascertain the role of this particular variant rs771697321, yet.

Literature cited by the submitters: PubMed 24897035 (cited by Clinical Genomics, Uppaluri K&H Personalized Medicine Clinic); PubMed 25536396 (cited by Clinical Genomics, Uppaluri K&H Personalized Medicine Clinic); PubMed 27615128 (cited by Clinical Genomics, Uppaluri K&H Personalized Medicine Clinic); PubMed 28215227 (cited by Clinical Genomics, Uppaluri K&H Personalized Medicine Clinic); PubMed 33434175 (cited by Clinical Genomics, Uppaluri K&H Personalized Medicine Clinic); PubMed 25741167 (cited by Clinical Genomics, Uppaluri K&H Personalized Medicine Clinic); PubMed 26340261 (cited by Clinical Genomics, Uppaluri K&H Personalized Medicine Clinic); PubMed 19639018 (cited by Clinical Genomics, Uppaluri K&H Personalized Medicine Clinic).